The following is an entry in ClinVar:

NM_000258.3(MYL3):c.347C>T (p.Pro116Leu)

Gene: MYL3 (myosin light chain 3; minus strand). Cytogenetic location: 3p21.31.
Variant type: single nucleotide variant.
Coding change: c.347C>T on transcript NM_000258.3 (MANE Select); coding-DNA position 347, C replaced by T.
Protein change: p.Pro116Leu; replaces proline 116 with leucine.
Molecular consequence: missense variant.
Genome position (GRCh38, 1-based): chr3:46,859,609, G>A on the plus strand (C>T on the coding strand, the complement: MYL3 is on the minus strand). VCF-style: chr3-46859609-G-A. GRCh37 (hg19) VCF-style: chr3-46901099-G-A.
Other names: short protein forms P116L.
Identifiers: ClinVar variation 568126 (VCV000568126.6), dbSNP rs777888933, ClinGen allele CA043791.
Genomic context (GRCh38, chr3:46,859,609, plus strand): 5'-CCCTCCACGAAGTCCTCATAGGTGCCTGTGTCCTTGTTCTTGGAAATGTGCTGGAGCATA[G>A]GCAGGAAAGTTTCAAAGTCCATCATCTTGGTATTGAGCTCTGCAGAGAAATGGTCCCAGG-3'
Protein context (NP_000249.1, residues 106-126): TKMMDFETFL[Pro116Leu]MLQHISKNKD

ClinVar aggregate classification (germline): Uncertain significance (1 of 4 stars; one submission).

Conditions:
Hypertrophic cardiomyopathy. Also called: HYPERTROPHIC MYOCARDIOPATHY. Identifiers: Orphanet 217569, MedGen C0007194, MeSH D002312, MONDO:0005045, HP:0001639.

Allele frequency attached by ClinVar (database versions not stated): gnomAD exomes below 0.00001 and 0.00001; ExAC 0.00002.
gnomAD v4.1: 2 of 1,614,200 alleles (0.00012%); highest among the groups gnomAD compares: Non-Finnish European, 0.00017%; no homozygotes.

Submission:

Labcorp Genetics (formerly Invitae), Labcorp
Classification: Uncertain significance for Hypertrophic cardiomyopathy. Last evaluated: 2018-04-18. Review status: criteria provided, single submitter. Criteria: Invitae Variant Classification Sherloc (09022015). Collection method: clinical testing. Allele origin: germline.
Comment: In summary, the available evidence is currently insufficient to determine the role of this variant in disease. Therefore, it has been classified as a Variant of Uncertain Significance. Algorithms developed to predict the effect of missense changes on protein structure and function (SIFT, PolyPhen-2, Align-GVGD) all suggest that this variant is likely to be disruptive, but these predictions have not been confirmed by published functional studies and their clinical significance is uncertain. This variant has not been reported in the literature in individuals with MYL3-related disease. This variant is present in population databases (rs777888933, ExAC 0.003%). This sequence change replaces proline with leucine at codon 116 of the MYL3 protein (p.Pro116Leu). The proline residue is highly conserved and there is a moderate physicochemical difference between proline and leucine.